The following is an entry in ClinVar:

NM_000465.4(BARD1):c.1997A>T (p.Gln666Leu)

Gene: BARD1 (BRCA1 associated RING domain 1; minus strand). Cytogenetic location: 2q35.
Variant type: single nucleotide variant.
Coding change: c.1997A>T on transcript NM_000465.4 (MANE Select); coding-DNA position 1997, A replaced by T.
Protein change: p.Gln666Leu; replaces glutamine 666 with leucine.
Molecular consequence: missense variant. On other transcripts: non-coding transcript variant (3).
Genome position (GRCh38, 1-based): chr2:214,730,415, T>A on the plus strand (A>T on the coding strand, the complement: BARD1 is on the minus strand). VCF-style: chr2-214730415-T-A. GRCh37 (hg19) VCF-style: chr2-215595139-T-A.
Other names: c.1940A>T, p.Gln647Leu (NM_001282543.2); c.644A>T, p.Gln215Leu (NM_001282545.2); c.587A>T, p.Gln196Leu (NM_001282548.2); c.458A>T, p.Gln153Leu (NM_001282549.2); short protein forms Q196L, Q215L, Q153L, Q647L, Q666L.
Identifiers: ClinVar variation 1784072 (VCV001784072.2), dbSNP rs2469276823, ClinGen allele CA350451090.

ClinVar aggregate classification (germline): Uncertain significance (1 of 4 stars; one submission).

Conditions:
Hereditary cancer-predisposing syndrome. Also called: Neoplastic Syndromes, Hereditary; Tumor predisposition; Hereditary Cancer Syndrome; Hereditary neoplastic syndrome. Identifiers: Orphanet 140162, MedGen C0027672, MeSH D009386, MONDO:0015356.

Submission:

Ambry Genetics
Classification: Uncertain significance for Hereditary cancer-predisposing syndrome. Last evaluated: 2022-01-11. Review status: criteria provided, single submitter. Criteria: Ambry Variant Classification Scheme 2023. Collection method: clinical testing. Allele origin: germline.
Comment: The p.Q666L variant (also known as c.1997A>T), located in coding exon 10 of the BARD1 gene, results from an A to T substitution at nucleotide position 1997. The glutamine at codon 666 is replaced by leucine, an amino acid with dissimilar properties. This amino acid position is conserved. In addition, the in silico prediction for this alteration is inconclusive. Since supporting evidence is limited at this time, the clinical significance of this alteration remains unclear.